The following is an entry in ClinVar:

ClinVar aggregate classification (germline): Likely benign (0 of 4 stars; one submission).

Conditions:
VWF-related disorder. Also called: VWF-related condition; VWF-related disorders.

Submission:

PreventionGenetics, part of Exact Sciences
Classification: Likely benign for VWF-related condition. Last evaluated: 2021-12-01. Review status: no assertion criteria provided. Collection method: clinical testing. Allele origin: germline.
Comment: This variant is classified as likely benign based on ACMG/AMP sequence variant interpretation guidelines (Richards et al. 2015 PMID: 25741868, with internal and published modifications).

NM_000552.5(VWF):c.2703C>T (p.Asn901=)

Gene: VWF (von Willebrand factor; minus strand). Cytogenetic location: 12p13.31.
Variant type: single nucleotide variant.
Coding change: c.2703C>T on transcript NM_000552.5 (MANE Select); coding-DNA position 2703, C replaced by T.
Protein change: p.Asn901=; no amino-acid change (asparagine 901 retained).
Molecular consequence: synonymous variant.
Genome position (GRCh38, 1-based): chr12:6,031,561, G>A on the plus strand (C>T on the coding strand, the complement: VWF is on the minus strand). VCF-style: chr12-6031561-G-A. GRCh37 (hg19) VCF-style: chr12-6140727-G-A.
Identifiers: ClinVar variation 3040892 (VCV003040892.2), dbSNP rs753545906, ClinGen allele CA478102763.
Genomic context (GRCh38, chr12:6,031,561, plus strand): 5'-GCATTTCACTGAGGGGTGGCTGCATCCCTTATTCCCCACTAGGATCCGAAAGGTCCCAGG[G>A]TTACTGCCGCAGTAATCCTGGGGAAAGAGGAGTGCCAGGAGAAGACCATTATCCCCACTG-3'
Protein context (NP_000543.3, residues 891-911): YVLVQDYCGS[Asn901=]PGTFRILVGN